The following is an entry in ClinVar:

ClinVar aggregate classification (germline): Uncertain significance (1 of 4 stars; one submission).

Allele frequency attached by ClinVar (database versions not stated): gnomAD exomes below 0.00001 and 0.00001.
gnomAD v4.1: 2 of 1,551,574 alleles (0.00013%); highest among the groups gnomAD compares: Admixed American, 0.002%; no homozygotes.

Submission:

Labcorp Genetics (formerly Invitae), Labcorp
Classification: Uncertain significance. Last evaluated: 2021-09-14. Review status: criteria provided, single submitter. Criteria: Invitae Variant Classification Sherloc (09022015). Collection method: clinical testing. Allele origin: germline.
Comment: This sequence change replaces serine with leucine at codon 401 of the SOX11 protein (p.Ser401Leu). The serine residue is highly conserved and there is a large physicochemical difference between serine and leucine. This variant is not present in population databases (ExAC no frequency). This variant has not been reported in the literature in individuals affected with SOX11-related conditions. Algorithms developed to predict the effect of missense changes on protein structure and function are either unavailable or do not agree on the potential impact of this missense change (SIFT: "Deleterious"; PolyPhen-2: "Probably Damaging"; Align-GVGD: "Class C0"). In summary, the available evidence is currently insufficient to determine the role of this variant in disease. Therefore, it has been classified as a Variant of Uncertain Significance.

NM_003108.4(SOX11):c.1202C>T (p.Ser401Leu)

Gene: SOX11 (SRY-box transcription factor 11; plus strand). Cytogenetic location: 2p25.2.
Variant type: single nucleotide variant.
Coding change: c.1202C>T on transcript NM_003108.4 (MANE Select); coding-DNA position 1202, C replaced by T.
Protein change: p.Ser401Leu; replaces serine 401 with leucine.
Molecular consequence: missense variant.
Genome position (GRCh38, 1-based): chr2:5,693,923, C>T. VCF-style: chr2-5693923-C-T. GRCh37 (hg19) VCF-style: chr2-5834055-C-T.
Other names: short protein forms S401L.
Identifiers: ClinVar variation 1518483 (VCV001518483.6), dbSNP rs1229609930, ClinGen allele CA345868352.